The following is an entry in ClinVar:

NM_004629.2(FANCG):c.1643G>A (p.Arg548Gln)

Gene: FANCG (FA complementation group G; minus strand). Cytogenetic location: 9p13.3.
Variant type: single nucleotide variant.
Coding change: c.1643G>A on transcript NM_004629.2 (MANE Select); coding-DNA position 1643, G replaced by A.
Protein change: p.Arg548Gln; replaces arginine 548 with glutamine.
Molecular consequence: missense variant.
Genome position (GRCh38, 1-based): chr9:35,074,488, C>T on the plus strand (G>A on the coding strand, the complement: FANCG is on the minus strand). VCF-style: chr9-35074488-C-T. GRCh37 (hg19) VCF-style: chr9-35074485-C-T.
Other names: short protein forms R548Q.
Identifiers: ClinVar variation 1692835 (VCV001692835.1), dbSNP rs1587138702, ClinGen allele CA373301330.

ClinVar aggregate classification (germline): Uncertain significance (1 of 4 stars; one submission).

Conditions:
Fanconi anemia (FA). Also called: Fanconi's anemia. Identifiers: Orphanet 84, MedGen C0015625, MeSH D005199, MONDO:0019391.

Allele frequency attached by ClinVar (database versions not stated): gnomAD exomes below 0.00001.
gnomAD v4.1: 4 of 1,613,994 alleles (0.00025%); highest among the groups gnomAD compares: Non-Finnish European, 0.00034%; no homozygotes.

Submission:

Sema4
Classification: Uncertain significance for Fanconi anemia. Last evaluated: 2022-02-27. Review status: criteria provided, single submitter. Criteria: Sema4 Curation Guidelines. Collection method: curation. Allele origin: germline.
Comment: The FANCG c.1643G>A (p.R548Q) variant has not been reported in the literature to our knowledge. This variant is not reported in the population database Genome Aggregation Database (PMID: 32461654). The variant has not been reported in ClinVar. In silico tools suggest the impact of the variant on protein function is benign, though these predictions have not been confirmed by functional studies. The evidence is insufficient to meet ACMG/AMP criteria for classifying the variant as benign or pathogenic. Thus, the clinical significance of this variant is currently uncertain.